The following is an entry in ClinVar:

ClinVar aggregate classification (germline): Likely benign (1 of 4 stars; one submission).

Conditions:
White sponge nevus 1. Also called: LEUKOKERATOSIS, HEREDITARY MUCOSAL. Identifiers: MedGen C4011926, MONDO:0008676, OMIM 193900.

Allele frequency attached by ClinVar (database versions not stated): gnomAD 0.00003; TOPMed 0.00003; gnomAD exomes 0.00004 and 0.00005; ExAC 0.00007.

Submission:

Illumina Laboratory Services, Illumina
Classification: Likely benign for White sponge nevus 1. Last evaluated: 2018-01-13. Review status: criteria provided, single submitter. Criteria: ICSL Variant Classification Criteria 13 December 2019. Collection method: clinical testing. Allele origin: germline.
Comment: This variant was observed in the ICSL laboratory as part of a predisposition screen in an ostensibly healthy population. It had not been previously curated by ICSL or reported in the Human Gene Mutation Database (HGMD: prior to June 1st, 2018), and was therefore a candidate for classification through an automated scoring system. Utilizing variant allele frequency, disease prevalence and penetrance estimates, and inheritance mode, an automated score was calculated to assess if this variant is too frequent to cause the disease. Based on the score and internal cut-off values, a variant classified as likely benign is not then subjected to further curation. The score for this variant resulted in a classification of likely benign for this disease.

NM_002272.4(KRT4):c.945C>T (p.Tyr315=)

Gene: KRT4 (keratin 4; minus strand). Cytogenetic location: 12q13.13.
Variant type: single nucleotide variant.
Coding change: c.945C>T on transcript NM_002272.4 (MANE Select); coding-DNA position 945, C replaced by T.
Protein change: p.Tyr315=; no amino-acid change (tyrosine 315 retained).
Molecular consequence: synonymous variant.
Genome position (GRCh38, 1-based): chr12:52,808,740, G>A on the plus strand (C>T on the coding strand, the complement: KRT4 is on the minus strand). VCF-style: chr12-52808740-G-A. GRCh37 (hg19) VCF-style: chr12-53202524-G-A.
Identifiers: ClinVar variation 309678 (VCV000309678.5), dbSNP rs778125368, ClinGen allele CA6588548.